The following is an entry in ClinVar:

ClinVar aggregate classification (germline): Benign/Likely benign. Review status: criteria provided, multiple submitters, no conflicts (2 of 4 stars). 2 submissions from 2 submitters: Benign (1); Likely benign (1). Last evaluated 2026-04-01.

Allele frequency attached by ClinVar (database versions not stated): 1000 Genomes Project 30x 0.00047; 1000 Genomes Project 0.00060; TOPMed 0.00122; ESP Exome Variant Server 0.00163; gnomAD 0.00201 and 0.00218.

Submissions (2):

CeGaT Center for Human Genetics Tuebingen
Classification: Likely benign. Last evaluated: 2026-04-01. Review status: criteria provided, single submitter. Criteria: CeGaT Center For Human Genetics Tuebingen Variant Classification Criteria Version 2. Collection method: clinical testing. Allele origin: germline. Affected: yes. Observed: 1 variant allele.
Comment: BCR: BS2

Labcorp Genetics (formerly Invitae), Labcorp
Classification: Benign. Last evaluated: 2018-08-08. Review status: criteria provided, single submitter. Criteria: Invitae Variant Classification Sherloc (09022015). Collection method: clinical testing. Allele origin: germline.

NM_004327.4(BCR):c.497G>A (p.Gly166Asp)

Gene: BCR (BCR activator of RhoGEF and GTPase; plus strand). Cytogenetic location: 22q11.23.
Variant type: single nucleotide variant.
Coding change: c.497G>A on transcript NM_004327.4 (MANE Select); coding-DNA position 497, G replaced by A.
Protein change: p.Gly166Asp; replaces glycine 166 with aspartic acid.
Molecular consequence: missense variant.
Genome position (GRCh38, 1-based): chr22:23,181,457, G>A. VCF-style: chr22-23181457-G-A. GRCh37 (hg19) VCF-style: chr22-23523644-G-A.
Other names: c.497G>A, p.Gly166Asp (NM_021574.3); short protein forms G166D.
Identifiers: ClinVar variation 720879 (VCV000720879.5), dbSNP rs148370562, ClinGen allele CA10141729.